The following is an entry in ClinVar:

NM_005548.3(KARS1):c.953T>C (p.Ile318Thr)

Gene: KARS1 (lysyl-tRNA synthetase 1; minus strand). Cytogenetic location: 16q23.1.
Variant type: single nucleotide variant.
Coding change: c.953T>C on transcript NM_005548.3 (MANE Select); coding-DNA position 953, T replaced by C.
Protein change: p.Ile318Thr; replaces isoleucine 318 with threonine.
Molecular consequence: missense variant.
Genome position (GRCh38, 1-based): chr16:75,631,818, A>G on the plus strand (T>C on the coding strand, the complement: KARS1 is on the minus strand). VCF-style: chr16-75631818-A-G. GRCh37 (hg19) VCF-style: chr16-75665716-A-G.
Other names: c.1037T>C, p.Ile346Thr (NM_001130089.2); c.485T>C, p.Ile162Thr (NM_001378148.1); short protein forms I162T, I318T, I346T.
Identifiers: ClinVar variation 2674620 (VCV002674620.3), dbSNP rs2507558889, ClinGen allele CA396812251.
Genomic context (GRCh38, chr16:75,631,818, plus strand): 5'-CAGGTGGTGAACTCAGGATTGTGCGTCAAATCAATCCCCTCATTCCGGAACTGGCGTCCA[A>G]TTTCATAAACCCGGTCGATGCCACCAACCACAAGCATCTAACAACAACACATGGCCACGG-3'
Protein context (NP_005539.1, residues 308-328): VVGGIDRVYE[Ile318Thr]GRQFRNEGID

ClinVar aggregate classification (germline): Conflicting classifications of pathogenicity. Review status: criteria provided, conflicting classifications (1 of 4 stars). 2 submissions from 2 submitters: Likely pathogenic (1); Uncertain significance (1). Last evaluated 2022-03-07.

Conditions:
Leukoencephalopathy, progressive, infantile-onset, with or without deafness. Identifiers: MedGen C5542996, MONDO:0030893, OMIM 619147.

Allele frequency attached by ClinVar (database versions not stated): gnomAD exomes below 0.00001.
gnomAD v4.1: 3 of 1,614,104 alleles (0.00019%); highest among the groups gnomAD compares: Non-Finnish European, 0.00025%; no homozygotes.

Submissions (2):

Ambry Genetics
Classification: Uncertain significance. Last evaluated: 2022-03-07. Review status: criteria provided, single submitter. Criteria: Ambry Variant Classification Scheme 2023. Collection method: clinical testing. Allele origin: germline.

Division Of Personalized Genomic Medicine, Columbia University Irving Medical Center
Classification: Likely pathogenic for Leukoencephalopathy, progressive, infantile-onset, with or without deafness. Last evaluated: 2021-07-14. Review status: criteria provided, single submitter. Criteria: ACMG Guidelines, 2015. Collection method: clinical testing. Allele origin: biparental. Inheritance: Autosomal recessive inheritance. Observed: 1 homozygote.
Comment: The c.1037T>C variant is a homozygous single base pair substitution at nucleotide 1037 in exon 9 of 15 of the KARS1 gene, resulting in a substitution of a isoleucine at amino acid position 346 to a threonine (p.Ile346Thr). This variant is absent from the gnomAD database, indicating it is not a common benign occurrence in the populations represented in these databases. The affected residue is highly conserved in mammals. This variant is predicted to damage protein structure and/or function based on in silico algorithms (PolyPhen2, SIFT, DANN). KARS1 encodes a lysyl-transfer RNA synthase, which catalyzes the aminoacylation of tRNA-lys. The isoleucine at position 346 falls in the catalytic domain of both isoforms of protein (cytosolic and mitochondrial), and together with nearby amino acids, forms a hydrophobic pocket near the dimerization interface which could be affected by the amino acid change. Biallelic variants in KARS1 have been linked to sensorineural hearing loss, neuropathy, seizures and leukodystrophy. Recently, the gene has been linked to progressive infantile-onset leukoencephalopathy with or without deafness (PMIDs: 23596069, 33942428, 34172899, 30715177, 25330800). A cDNA complementation assay performed using the patient’s fibroblasts revealed that mitochondrial KARS1, but not the cytosolic form, successfully rescued the enzyme defect in an in vitro overexpression experiment. Another study demonstrated that yeast strains expressing the Ile346Thr variant showed reduced growth on both cytosolic and mitochondrial isoforms (PMID: 33942428).

Literature cited by the submitters: PubMed 33942428 (cited by Ambry Genetics and Division Of Personalized Genomic Medicine, Columbia University Irving Medical Center); PubMed 23596069 (cited by Division Of Personalized Genomic Medicine, Columbia University Irving Medical Center); PubMed 34172899 (cited by Division Of Personalized Genomic Medicine, Columbia University Irving Medical Center); PubMed 30715177 (cited by Division Of Personalized Genomic Medicine, Columbia University Irving Medical Center); PubMed 25330800 (cited by Division Of Personalized Genomic Medicine, Columbia University Irving Medical Center); PubMed 26741492 (cited by Division Of Personalized Genomic Medicine, Columbia University Irving Medical Center).